The following is an entry in ClinVar:

NM_004385.5(VCAN):c.5130C>G (p.Asp1710Glu)

Genes: VCAN (versican; plus strand), VCAN-AS1 (VCAN antisense RNA 1; minus strand). Cytogenetic location: 5q14.3.
Variant type: single nucleotide variant.
Coding change: c.5130C>G on transcript NM_004385.5 (MANE Select); coding-DNA position 5130, C replaced by G.
Protein change: p.Asp1710Glu; replaces aspartic acid 1710 with glutamic acid.
Molecular consequence: missense variant. On other transcripts: intron variant (2).
Genome position (GRCh38, 1-based): chr5:83,538,133, C>G. VCF-style: chr5-83538133-C-G. GRCh37 (hg19) VCF-style: chr5-82833952-C-G.
Other names: c.5130C>G (NM_004385.4); c.2169C>G, p.Asp723Glu (NM_001164097.2); c.4004-7404C>G (NM_001164098.2); c.1043-7404C>G (NM_001126336.3); short protein forms D1710E, D723E.
Identifiers: ClinVar variation 2758355 (VCV002758355.4), dbSNP rs756459419, ClinGen allele CA3333282.
Genomic context (GRCh38, chr5:83,538,133, plus strand): 5'-TCCAGTTTCTGAACAACCTTCTGCAAAAGTGGTGCCTACCAAGTTTGTAAGTGAAACAGA[C>G]ACTTCTGAGTGGATTTCCAGTACCACTGTTGAGGAAAAGAAAAGGAAGGAGGAGGAGGGA-3'
Protein context (NP_004376.2, residues 1700-1720): VVPTKFVSET[Asp1710Glu]TSEWISSTTV

ClinVar aggregate classification (germline): Uncertain significance. Review status: criteria provided, multiple submitters, no conflicts (2 of 4 stars). 2 submissions from 2 submitters: Uncertain significance (2). Last evaluated 2025-10-09.

Conditions:
VCAN-related disorder. Also called: VCAN-related condition.

Allele frequency attached by ClinVar (database versions not stated): gnomAD exomes 0.00001; ExAC 0.00002; gnomAD 0.00007; TOPMed 0.00007.
gnomAD v4.1: 22 of 1,613,834 alleles (0.0014%); highest among the groups gnomAD compares: African/African-American, 0.028%; no homozygotes.

Submissions (2):

PreventionGenetics, part of Exact Sciences
Classification: Uncertain significance for VCAN-related condition. Last evaluated: 2025-10-09. Review status: criteria provided, single submitter. Criteria: ACMG Guidelines, 2015. Collection method: clinical testing. Allele origin: germline.
Comment: The VCAN c.5130C>G variant is predicted to result in the amino acid substitution p.Asp1710Glu. To our knowledge, this variant has not been reported in the literature. This variant is reported in 0.024% of alleles in individuals of African descent in gnomAD. Although we suspect that this variant may be benign, at this time, the clinical significance of this variant is uncertain due to the absence of conclusive functional and genetic evidence.

Labcorp Genetics (formerly Invitae), Labcorp
Classification: Uncertain significance. Last evaluated: 2025-08-18. Review status: criteria provided, single submitter. Criteria: Invitae Variant Classification Sherloc (09022015). Collection method: clinical testing. Allele origin: germline.
Comment: This sequence change replaces aspartic acid, which is acidic and polar, with glutamic acid, which is acidic and polar, at codon 1710 of the VCAN protein (p.Asp1710Glu). This variant is present in population databases (rs756459419, gnomAD 0.02%). This variant has not been reported in the literature in individuals affected with VCAN-related conditions. ClinVar contains an entry for this variant (Variation ID: 2758355). An algorithm developed to predict the effect of missense changes on protein structure and function outputs the following: PolyPhen-2: "Benign". The glutamic acid amino acid residue is found in multiple mammalian species, which suggests that this missense change does not adversely affect protein function. In summary, the available evidence is currently insufficient to determine the role of this variant in disease. Therefore, it has been classified as a Variant of Uncertain Significance.